The following is an entry in ClinVar:

ClinVar aggregate classification (germline): Uncertain significance (1 of 4 stars; one submission).

Conditions:
Glycogen storage disease type III (GSD3). Also called: FORBES DISEASE; Cori disease. Identifiers: Orphanet 366, MedGen C0017922, MONDO:0009291, OMIM 232400.

Allele frequency attached by ClinVar (database versions not stated): gnomAD exomes 0.00001.
gnomAD v4.1: 3 of 1,602,278 alleles (0.00019%); highest among the groups gnomAD compares: East Asian, 0.0067%; no homozygotes.

Submission:

Labcorp Genetics (formerly Invitae), Labcorp
Classification: Uncertain significance for Glycogen storage disease type III. Last evaluated: 2021-08-07. Review status: criteria provided, single submitter. Criteria: Invitae Variant Classification Sherloc (09022015). Collection method: clinical testing. Allele origin: germline.
Comment: In summary, the available evidence is currently insufficient to determine the role of this variant in disease. Therefore, it has been classified as a Variant of Uncertain Significance. Algorithms developed to predict the effect of missense changes on protein structure and function (SIFT, PolyPhen-2, Align-GVGD) all suggest that this variant is likely to be tolerated. This missense change has been observed in individual(s) with clinical features of glycogen storage disease type III (PMID: 31661040). This variant is not present in population databases (ExAC no frequency). This sequence change replaces tyrosine with cysteine at codon 341 of the AGL protein (p.Tyr341Cys). The tyrosine residue is moderately conserved and there is a large physicochemical difference between tyrosine and cysteine.

Literature cited by the submitters: PubMed 31661040.

NM_000642.3(AGL):c.1022A>G (p.Tyr341Cys)

Gene: AGL (amylo-alpha-1,6-glucosidase and 4-alpha-glucanotransferase; plus strand). Cytogenetic location: 1p21.2.
Variant type: single nucleotide variant.
Coding change: c.1022A>G on transcript NM_000642.3 (MANE Select); coding-DNA position 1022, A replaced by G.
Protein change: p.Tyr341Cys; replaces tyrosine 341 with cysteine.
Molecular consequence: missense variant.
Genome position (GRCh38, 1-based): chr1:99,874,750, A>G. VCF-style: chr1-99874750-A-G. GRCh37 (hg19) VCF-style: chr1-100340306-A-G.
Other names: c.1022A>G, p.Tyr341Cys (NM_000028.3, NM_000643.3, NM_000644.3 and 3 more transcripts); c.974A>G, p.Tyr325Cys (NM_000646.3); c.818A>G, p.Tyr273Cys (NM_001425328.1, NM_001425329.1); c.644A>G, p.Tyr215Cys (NM_001425332.1); short protein forms Y341C, Y325C, Y215C, Y273C.
Identifiers: ClinVar variation 1448324 (VCV001448324.6), dbSNP rs1651357240, ClinGen allele CA341343150.